The following is an entry in ClinVar:

ClinVar aggregate classification (germline): Likely benign. Review status: criteria provided, multiple submitters, no conflicts (2 of 4 stars). 3 submissions from 3 submitters: Likely benign (3). Last evaluated 2026-01-13.

Conditions:
CWC27-related disorder. Also called: CWC27-related condition.

Allele frequency attached by ClinVar (database versions not stated): gnomAD 0.00004; TOPMed 0.00004; gnomAD exomes 0.00007 and 0.00024; ExAC 0.00037.

Submissions (3):

Labcorp Genetics (formerly Invitae), Labcorp
Classification: Likely benign. Last evaluated: 2026-01-13. Review status: criteria provided, single submitter. Criteria: Invitae Variant Classification Sherloc (09022015). Collection method: clinical testing. Allele origin: germline.

PreventionGenetics, part of Exact Sciences
Classification: Likely benign for CWC27-related condition. Last evaluated: 2025-03-28. Review status: criteria provided, single submitter. Criteria: ACMG Guidelines, 2015. Collection method: clinical testing. Allele origin: germline.
Comment: This variant is classified as likely benign based on ACMG/AMP sequence variant interpretation guidelines (Richards et al. 2015 PMID: 25741868, with internal and published modifications).

Blueprint Genetics
Classification: Likely benign. Last evaluated: 2024-06-03. Review status: criteria provided, single submitter. Criteria: ACMG Guidelines, 2015. Collection method: clinical testing. Allele origin: germline.

NM_005869.4(CWC27):c.1257-7del

Gene: CWC27 (CWC27 spliceosome associated cyclophilin; plus strand). Cytogenetic location: 5q12.3.
Variant type: Deletion.
Coding change: c.1257-7del on transcript NM_005869.4 (MANE Select); 7 bases into the intron before coding-DNA position 1257, one base deleted (T; older notation c.1257-7delT).
Molecular consequence: intron variant.
Genome position (GRCh38, 1-based): chr5:65,018,152, T deleted. VCF-style (leftmost placement, unchanged base first): chr5-65018151-CT-C. GRCh37 (hg19) VCF-style: chr5-64313978-CT-C.
Other names: c.1257-7delT (NM_005869.3); c.1153-7del (NM_001297644.1).
Identifiers: ClinVar variation 1142393 (VCV001142393.11), dbSNP rs745904241, ClinGen allele CA3282283.